The following is an entry in ClinVar:

NM_004727.3(SLC24A1):c.2006G>C (p.Ser669Thr)

Gene: SLC24A1 (solute carrier family 24 member 1; plus strand). Cytogenetic location: 15q22.31.
Variant type: single nucleotide variant.
Coding change: c.2006G>C on transcript NM_004727.3 (MANE Select); coding-DNA position 2006, G replaced by C.
Protein change: p.Ser669Thr; replaces serine 669 with threonine.
Molecular consequence: missense variant.
Genome position (GRCh38, 1-based): chr15:65,639,656, G>C. VCF-style: chr15-65639656-G-C. GRCh37 (hg19) VCF-style: chr15-65931994-G-C.
Other names: c.2006G>C, p.Ser669Thr (NM_001301031.1); c.1952G>C, p.Ser651Thr (NM_001301032.1, NM_001301033.2); short protein forms S651T, S669T.
Identifiers: ClinVar variation 1509114 (VCV001509114.6), dbSNP rs370652031, ClinGen allele CA271597957.

ClinVar aggregate classification (germline): Uncertain significance (1 of 4 stars; one submission).

Allele frequency attached by ClinVar (database versions not stated): TOPMed 0.00001; ESP Exome Variant Server 0.00008.

Submission:

Labcorp Genetics (formerly Invitae), Labcorp
Classification: Uncertain significance. Last evaluated: 2022-02-09. Review status: criteria provided, single submitter. Criteria: Invitae Variant Classification Sherloc (09022015). Collection method: clinical testing. Allele origin: germline.
Comment: This sequence change replaces serine, which is neutral and polar, with threonine, which is neutral and polar, at codon 669 of the SLC24A1 protein (p.Ser669Thr). This variant is not present in population databases (gnomAD no frequency). This variant has not been reported in the literature in individuals affected with SLC24A1-related conditions. Algorithms developed to predict the effect of missense changes on protein structure and function output the following: SIFT: "Tolerated"; PolyPhen-2: "Benign"; Align-GVGD: "Class C0". The threonine amino acid residue is found in multiple mammalian species, which suggests that this missense change does not adversely affect protein function. In summary, the available evidence is currently insufficient to determine the role of this variant in disease. Therefore, it has been classified as a Variant of Uncertain Significance.